The following is an entry in ClinVar:

NM_130839.5(UBE3A):c.43G>A (p.Asp15Asn)

Genes: SNHG14 (small nucleolar RNA host gene 14; plus strand), UBE3A (ubiquitin protein ligase E3A; minus strand). Cytogenetic location: 15q11.2.
Variant type: single nucleotide variant.
Coding change: c.43G>A on transcript NM_130839.5 (MANE Select); coding-DNA position 43, G replaced by A.
Protein change: p.Asp15Asn; replaces aspartic acid 15 with asparagine.
Molecular consequence: missense variant. On other transcripts: 5 prime UTR variant (21), non-coding transcript variant (1), intron variant (1).
Genome position (GRCh38, 1-based): chr15:25,405,480, C>T on the plus strand (G>A on the coding strand, the complement: UBE3A is on the minus strand). VCF-style: chr15-25405480-C-T. GRCh37 (hg19) VCF-style: chr15-25650627-C-T.
Other names: NM_130839.5(UBE3A):c.43G>A; p.Asp15Asn; c.-18G>A (NM_001354542.2, NM_001354543.2, NM_001354544.2 and 17 more transcripts); c.43G>A, p.Asp15Asn (NM_001354545.2, NM_001354550.2, NM_001354505.1 and 1 more transcripts); c.52G>A, p.Asp18Asn (NM_000462.5); c.-131G>A (NM_001354523.2); c.-115-29717G>A (NM_001354546.2); short protein forms D15N, D18N.
Identifiers: ClinVar variation 2355672 (VCV002355672.16), dbSNP rs755226524, ClinGen allele CA7435704.

ClinVar aggregate classification (germline): Benign. Review status: reviewed by expert panel (3 of 4 stars). 4 submissions from 4 submitters: Benign (1). 3 of the submissions do not count toward it. Last evaluated 2025-10-28.

Conditions:
Angelman syndrome (AS). Also called: HAPPY PUPPET SYNDROME. Identifiers: Orphanet 72, MedGen C0162635, MONDO:0007113, OMIM 105830. Disease mechanism: loss of function. Inheritance: AS is caused by disruption of maternally imprinted UBE3A located within the 15q11.2-q13 Angelman syndrome/Prader-Willi syndrome (AS/PWS) region., imprinting disorder.
Inborn genetic diseases. Identifiers: MedGen C0950123, MeSH D030342.

Allele frequency attached by ClinVar (database versions not stated): ExAC 0.00002; gnomAD 0.00003; TOPMed 0.00004; gnomAD exomes 0.00006.
gnomAD v4.1: 92 of 1,613,670 alleles (0.0057%); highest among the groups gnomAD compares: Non-Finnish European, 0.0075%; no homozygotes.

Submissions (4):

ClinGen Rett and Angelman-like Disorders Variant Curation Expert Panel
Classification: Benign for Angelman syndrome. Last evaluated: 2025-10-28. Review status: reviewed by expert panel. Criteria: ClinGen RettAS ACMG Specifications UBE3A V6.0.0. Collection method: curation. Allele origin: germline. Inheritance: Autosomal dominant inheritance.
Comment: The highest population minor allele frequency of the p.Asp15Asn variant in UBE3A in gnomAD v4.1.0 is 0.00007543 in the European (non-Finnish) population, which is higher than the ClinGen Rett and Angelman-like Disorders VCEP threshold (≥0.0000083) for BS1, and therefore meets this criterion (BS1). The p.Asp15Asn variant is observed in at least 3 unaffected individuals (internal database - Ambry (BS2_Supporting). The computational predictor REVEL gives a score of 0.070 (which is below the threshold of 0.290), evidence that does not predict a damaging effect on UBE3A function (BP4). In summary, the p.Asp15Asn variant in UBE3A is classified as Benign based on the ACMG/AMP criteria (BS1, BS2_supporting, BP4, BP5). (UBE3A Specifications v6.0.0; curation approved on 10/28/2025).

CeGaT Center for Human Genetics Tuebingen
Classification: Likely benign. Last evaluated: 2025-01-01. Review status: criteria provided, single submitter. Criteria: CeGaT Center For Human Genetics Tuebingen Variant Classification Criteria Version 2. Collection method: clinical testing. Allele origin: germline. Affected: yes. Observed: 1 variant allele. Not counted in ClinVar's aggregate classification.
Comment: UBE3A: PP2, BP4, BS1

Women's Health and Genetics/Laboratory Corporation of America, LabCorp
Classification: Uncertain significance. Last evaluated: 2024-09-11. Review status: criteria provided, single submitter. Criteria: LabCorp Variant Classification Summary - May 2015. Collection method: clinical testing. Allele origin: germline. Not counted in ClinVar's aggregate classification.
Comment: Variant summary: UBE3A c.-18G>A is located in the untranslated mRNA region upstream of the initiation codon. The variant allele was found at a frequency of 5.7e-05 in 1613670 control chromosomes. c.-18G>A has been reported in the literature in individuals affected with an unspecified hereditary neurodevelopmental disorder (e.g. Sadikovic_2021). This report does not provide unequivocal conclusions about association of the variant with Angelman Syndrome. To our knowledge, no experimental evidence demonstrating an impact on protein function has been reported. The following publication has been ascertained in the context of this evaluation (PMID: 33547396). ClinVar contains an entry for this variant (Variation ID: 2355672). Based on the evidence outlined above, the variant was classified as VUS-possibly benign.

Ambry Genetics
Classification: Likely benign for Inborn genetic diseases. Last evaluated: 2022-06-07. Review status: criteria provided, single submitter. Criteria: Ambry Variant Classification Scheme 2023. Collection method: clinical testing. Allele origin: germline. Not counted in ClinVar's aggregate classification.

Literature cited by the submitters: PubMed 33547396 (cited by Women's Health and Genetics/Laboratory Corporation of America, LabCorp).